The following is an entry in ClinVar:

NM_004006.3(DMD):c.5655G>C (p.Gln1885His)

Gene: DMD (dystrophin; minus strand). Cytogenetic location: Xp21.1.
Variant type: single nucleotide variant.
Coding change: c.5655G>C on transcript NM_004006.3 (MANE Select); coding-DNA position 5655, G replaced by C.
Protein change: p.Gln1885His; replaces glutamine 1885 with histidine.
Molecular consequence: missense variant.
Genome position (GRCh38, 1-based): chrX:32,343,218, C>G on the plus strand (G>C on the coding strand, the complement: DMD is on the minus strand). VCF-style: chrX-32343218-C-G. GRCh37 (hg19) VCF-style: chrX-32361335-C-G.
Other names: c.5643G>C, p.Gln1881His (NM_004009.3); c.5286G>C, p.Gln1762His (NM_004010.3); c.1632G>C, p.Gln544His (NM_004011.4); c.1623G>C, p.Gln541His (NM_004012.4); c.5631G>C, p.Gln1877His (NM_000109.4); short protein forms Q1881H, Q1762H, Q1877H, Q1885H, Q544H, Q541H.
Identifiers: ClinVar variation 1748890 (VCV001748890.2), dbSNP rs1557291126, ClinGen allele CA412666015.

ClinVar aggregate classification (germline): Uncertain significance (1 of 4 stars; one submission).

Conditions:
Cardiovascular phenotype. Identifiers: MedGen CN230736.

Allele frequency attached by ClinVar (database versions not stated): gnomAD exomes below 0.00001; TOPMed 0.00002.
gnomAD v4.1: 3 of 1,208,880 alleles (0.00025%); highest among the groups gnomAD compares: African/African-American, 0.0052%; no homozygotes.

Submission:

Ambry Genetics
Classification: Uncertain significance for Cardiovascular phenotype. Last evaluated: 2022-09-06. Review status: criteria provided, single submitter. Criteria: Ambry Variant Classification Scheme 2023. Collection method: clinical testing. Allele origin: germline.
Comment: The p.Q1885H variant (also known as c.5655G>C), located in coding exon 40 of the DMD gene, results from a G to C substitution at nucleotide position 5655. The glutamine at codon 1885 is replaced by histidine, an amino acid with highly similar properties. This amino acid position is well conserved in available vertebrate species. In addition, this alteration is predicted to be tolerated by in silico analysis. Since supporting evidence is limited at this time, the clinical significance of this alteration remains unclear.